The following is an entry in ClinVar:

ClinVar aggregate classification (germline): Likely benign (0 of 4 stars; one submission).

Conditions:
PDZD2-related disorder. Also called: PDZD2-related condition.

Allele frequency attached by ClinVar (database versions not stated): ESP Exome Variant Server 0.00008.
gnomAD v4.1: 44 of 1,613,950 alleles (0.0027%); highest among the groups gnomAD compares: Admixed American, 0.0083%; no homozygotes.

Submission:

PreventionGenetics, part of Exact Sciences
Classification: Likely benign for PDZD2-related condition. Last evaluated: 2019-08-09. Review status: no assertion criteria provided. Collection method: clinical testing. Allele origin: germline.
Comment: This variant is classified as likely benign based on ACMG/AMP sequence variant interpretation guidelines (Richards et al. 2015 PMID: 25741868, with internal and published modifications).

NM_178140.4(PDZD2):c.7059C>G (p.Ala2353=)

Gene: PDZD2 (PDZ domain containing 2; plus strand). Cytogenetic location: 5p13.3.
Variant type: single nucleotide variant.
Coding change: c.7059C>G on transcript NM_178140.4 (MANE Select); coding-DNA position 7059, C replaced by G.
Protein change: p.Ala2353=; no amino-acid change (alanine 2353 retained).
Molecular consequence: synonymous variant.
Genome position (GRCh38, 1-based): chr5:32,090,507, C>G. VCF-style: chr5-32090507-C-G. GRCh37 (hg19) VCF-style: chr5-32090613-C-G.
Identifiers: ClinVar variation 3035053 (VCV003035053.2), dbSNP rs148972263, ClinGen allele CA3220241.